The following is an entry in ClinVar:

ClinVar aggregate classification (germline): Uncertain significance (1 of 4 stars; one submission).

Conditions:
Cataract 14 multiple types. Also called: CATARACT 14, ZONULAR PULVERULENT; CATARACT 14, NUCLEAR PULVERULENT; CATARACT 14, NUCLEAR PULVERULENT AND POSTERIOR POLAR; CATARACT 14, NUCLEAR CORALLIFORM; CATARACT 14, EMBRYONAL NUCLEAR; CATARACT 14, COPPOCK-LIKE. Identifiers: Orphanet 91492, MedGen C1866078, MONDO:0011162, OMIM 601885.

Submission:

Labcorp Genetics (formerly Invitae), Labcorp
Classification: Uncertain significance for Cataract 14 multiple types. Last evaluated: 2024-03-20. Review status: criteria provided, single submitter. Criteria: Invitae Variant Classification Sherloc (09022015). Collection method: clinical testing. Allele origin: germline.
Comment: This sequence change replaces aspartic acid, which is acidic and polar, with glutamic acid, which is acidic and polar, at codon 3 of the GJA3 protein (p.Asp3Glu). The frequency data for this variant in the population databases is considered unreliable, as metrics indicate poor data quality at this position in the gnomAD database. This variant has not been reported in the literature in individuals affected with GJA3-related conditions. Advanced modeling of protein sequence and biophysical properties (such as structural, functional, and spatial information, amino acid conservation, physicochemical variation, residue mobility, and thermodynamic stability) performed at Invitae indicates that this missense variant is not expected to disrupt GJA3 protein function with a negative predictive value of 80%. This variant disrupts the p.Asp3Tyr amino acid residue in GJA3. Other variant(s) that disrupt this residue have been determined to be pathogenic (PMID: 16885921, 29934635). This suggests that this residue is clinically significant, and that variants that disrupt this residue are likely to be disease-causing. In summary, the available evidence is currently insufficient to determine the role of this variant in disease. Therefore, it has been classified as a Variant of Uncertain Significance.

Literature cited by the submitters: PubMed 16885921; PubMed 29934635.

NM_021954.4(GJA3):c.9C>A (p.Asp3Glu)

Gene: GJA3 (gap junction protein alpha 3; minus strand). Cytogenetic location: 13q12.11.
Variant type: single nucleotide variant.
Coding change: c.9C>A on transcript NM_021954.4 (MANE Select); coding-DNA position 9, C replaced by A.
Protein change: p.Asp3Glu; replaces aspartic acid 3 with glutamic acid.
Molecular consequence: missense variant.
Genome position (GRCh38, 1-based): chr13:20,143,280, G>T on the plus strand (C>A on the coding strand, the complement: GJA3 is on the minus strand). VCF-style: chr13-20143280-G-T. GRCh37 (hg19) VCF-style: chr13-20717419-G-T.
Other names: short protein forms D3E.
Identifiers: ClinVar variation 3631918 (VCV003631918.2).